The following is an entry in ClinVar:

ClinVar aggregate classification (germline): Uncertain significance (1 of 4 stars; one submission).

Conditions:
Genitopatellar syndrome (GTPTS). Also called: ABSENT PATELLAE, SCROTAL HYPOPLASIA, RENAL ANOMALIES, FACIAL DYSMORPHISM, AND MENTAL RETARDATION; Genitopatellar syndrome (GPS). Identifiers: Orphanet 85201, MedGen C1853566, MONDO:0011640, OMIM 606170.

Submission:

Labcorp Genetics (formerly Invitae), Labcorp
Classification: Uncertain significance for Genitopatellar syndrome. Last evaluated: 2024-04-15. Review status: criteria provided, single submitter. Criteria: Invitae Variant Classification Sherloc (09022015). Collection method: clinical testing. Allele origin: germline.
Comment: This variant, c.3296_3297insGGAAGA, results in the insertion of 2 amino acid(s) of the KAT6B protein (p.Glu1103_Glu1104dup), but otherwise preserves the integrity of the reading frame. The frequency data for this variant in the population databases is considered unreliable, as metrics indicate poor data quality at this position in the gnomAD database. This variant has not been reported in the literature in individuals affected with KAT6B-related conditions. In summary, the available evidence is currently insufficient to determine the role of this variant in disease. Therefore, it has been classified as a Variant of Uncertain Significance.

NM_012330.4(KAT6B):c.3296_3297insGGAAGA (p.Glu1104_Asn1105insGluGlu)

Gene: KAT6B (lysine acetyltransferase 6B; plus strand). Cytogenetic location: 10q22.2.
Variant type: Insertion.
Coding change: c.3296_3297insGGAAGA on transcript NM_012330.4 (MANE Select); coding-DNA positions 3296 to 3297, GGAAGA inserted.
Protein change: p.Glu1104_Asn1105insGluGlu.
Molecular consequence: inframe insertion.
Genome position: GRCh38 VCF-style: chr10-75022150-A-AGAAGAG. GRCh37 (hg19) VCF-style: chr10-76781908-A-AGAAGAG.
Other names: c.2747_2748insGGAAGA, p.Glu921_Asn922insGluGlu (NM_001256468.2, NM_001370138.1); c.2420_2421insGGAAGA, p.Glu812_Asn813insGluGlu (NM_001256469.2, NM_001370139.1, NM_001370140.1 and 2 more transcripts); c.2258_2259insGGAAGA, p.Glu758_Asn759insGluGlu (NM_001370132.1); c.1607_1608insGGAAGA, p.Glu541_Asn542insGluGlu (NM_001370133.1); c.1211_1212insGGAAGA, p.Glu409_Asn410insGluGlu (NM_001370134.1); c.953_954insGGAAGA, p.Glu323_Asn324insGluGlu (NM_001370135.1); c.3296_3297insGGAAGA, p.Glu1104_Asn1105insGluGlu (NM_001370136.1, NM_001370137.1); c.2231_2232insGGAAGA, p.Glu749_Asn750insGluGlu (NM_001370143.1, NM_001370144.1).
Identifiers: ClinVar variation 2909383 (VCV002909383.3), dbSNP rs531782676, ClinGen allele CA594397615.